The following is an entry in ClinVar:

ClinVar aggregate classification (germline): Pathogenic (1 of 4 stars; one submission).

Submission:

Labcorp Genetics (formerly Invitae), Labcorp
Classification: Pathogenic. Last evaluated: 2020-11-01. Review status: criteria provided, single submitter. Criteria: Invitae Variant Classification Sherloc (09022015). Collection method: clinical testing. Allele origin: germline.
Comment: This variant has not been reported in the literature in individuals with EYS-related conditions. For these reasons, this variant has been classified as Pathogenic. This variant is a gross deletion of the genomic region encompassing exon(s) 36 of the EYS gene. This deletion is out-of-frame, and is expected to create a premature translational stop signal and result in an absent or disrupted protein product. Loss-of-function variants in EYS are known to be pathogenic (PMID: 18836446, 20333770).

Literature cited by the submitters: PubMed 18836446; PubMed 20333770.

NC_000006.11:g.(?_64574069)_(64574261_?)del

Gene: EYS (eyes shut homolog; minus strand). Cytogenetic location: 6q12.
Variant type: Deletion.
Identifiers: ClinVar variation 1460147 (VCV001460147.6).